The following is an entry in ClinVar:

NM_032444.4(SLX4):c.5242C>T (p.Gln1748Ter)

Gene: SLX4 (SLX4 structure-specific endonuclease subunit; minus strand). Cytogenetic location: 16p13.3.
Variant type: single nucleotide variant.
Coding change: c.5242C>T on transcript NM_032444.4 (MANE Select); coding-DNA position 5242, C replaced by T.
Protein change: p.Gln1748Ter; replaces glutamine 1748 with a stop codon.
Molecular consequence: nonsense.
Genome position (GRCh38, 1-based): chr16:3,582,605, G>A on the plus strand (C>T on the coding strand, the complement: SLX4 is on the minus strand). VCF-style: chr16-3582605-G-A. GRCh37 (hg19) VCF-style: chr16-3632606-G-A.
Other names: c.5242C>T (NM_032444.3); short protein forms Q1748*.
Identifiers: ClinVar variation 864196 (VCV000864196.12), dbSNP rs776789371, ClinGen allele CA7865366.

ClinVar aggregate classification (germline): Uncertain significance. Review status: criteria provided, multiple submitters, no conflicts (2 of 4 stars). 5 submissions from 5 submitters: Uncertain significance (4). 1 of the submissions does not count toward it. Last evaluated 2026-07-26.

Conditions:
SLX4-related disorder. Also called: SLX4-related condition.
Fanconi anemia complementation group P. Also called: SLX4-Related Fanconi Anemia. Identifiers: Orphanet 84, MedGen C3469542, MONDO:0013499, OMIM 613951.
Fanconi anemia (FA). Also called: Fanconi's anemia. Identifiers: Orphanet 84, MedGen C0015625, MeSH D005199, MONDO:0019391.

Allele frequency attached by ClinVar (database versions not stated): TOPMed 0.00001; gnomAD 0.00002.
gnomAD v4.1: 31 of 1,613,492 alleles (0.0019%); highest among the groups gnomAD compares: Non-Finnish European, 0.0021%; no homozygotes.

Submissions (5):

PreventionGenetics, part of Exact Sciences
Classification: Uncertain significance for SLX4-related condition. Last evaluated: 2026-07-26. Review status: criteria provided, single submitter. Criteria: ACMG Guidelines, 2015. Collection method: clinical testing. Allele origin: germline.
Comment: The SLX4 c.5242C>T variant is predicted to result in premature protein termination (p.Gln1748*). This variant resides in the final exon of this gene, and it is unclear if the resulting mRNA would undergo nonsense-mediated decay. This variant has reported in an individual with Ewing sarcoma (Brohl et al. 2017. PubMed ID: 28125078). This variant is reported in 0.0081% of alleles in individuals of European (Finnish) descent in gnomAD. Although we suspect that this variant may be pathogenic, at this time, the clinical significance of this variant is uncertain due to the absence of conclusive functional and genetic evidence.

Blueprint Genetics
Classification: Uncertain significance. Last evaluated: 2024-09-12. Review status: criteria provided, single submitter. Criteria: ACMG Guidelines, 2015. Collection method: clinical testing. Allele origin: germline.

Labcorp Genetics (formerly Invitae), Labcorp
Classification: Uncertain significance for Fanconi anemia. Last evaluated: 2023-08-17. Review status: criteria provided, single submitter. Criteria: Invitae Variant Classification Sherloc (09022015). Collection method: clinical testing. Allele origin: germline.
Comment: Experimental studies and prediction algorithms are not available or were not evaluated, and the functional significance of this variant is currently unknown. ClinVar contains an entry for this variant (Variation ID: 864196). This premature translational stop signal has been observed in individual(s) with Ewing sarcoma (PMID: 28125078). This variant is present in population databases (rs776789371, gnomAD 0.008%). This sequence change creates a premature translational stop signal (p.Gln1748*) in the SLX4 gene. While this is not anticipated to result in nonsense mediated decay, it is expected to disrupt the last 87 amino acid(s) of the SLX4 protein. In summary, the available evidence is currently insufficient to determine the role of this variant in disease. Therefore, it has been classified as a Variant of Uncertain Significance.

Fulgent Genetics
Classification: Uncertain significance for Fanconi anemia complementation group P. Last evaluated: 2021-08-06. Review status: criteria provided, single submitter. Criteria: ACMG Guidelines, 2015. Collection method: clinical testing. Allele origin: unknown.

Genetic Services Laboratory, University of Chicago
Classification: Uncertain significance. Last evaluated: 2022-06-10. Review status: no assertion criteria provided. Collection method: clinical testing. Allele origin: germline. Affected: no. Not counted in ClinVar's aggregate classification.
Comment: DNA sequence analysis of the SLX4 gene demonstrated a sequence change, c.5242C>T, which results in the creation of a premature stop codon at amino acid position 1748, p.Gln1748*. Sequence changes resulting into creation of a premature stop codon are typically predicted to result in an abnormal transcript, which may be degraded, or may lead to the production of a truncated SLX4 protein with potentially abnormal function. Since this sequence change is present in the last exon of the gene, the transcript may escape nonsense mediated decay. This sequence change has been described in the gnomAD database with a global frequency of 0.003% (dbSNP rs776789371). This sequence change has been previously described in an individual with Ewing sarcoma (PMID: 28125078). Other truncating variants in the SLX4 gene which are upstream to this position have been described in association with SLX4-related Fanconi anemia (PMID: 21240277, PMID: 21240275). Since the sequence change is in the last exon of the gene and the most reported truncating variants have been reported upstream to this position, the clinical significance of the p.Gln1748* change remains unknown at this time.

Literature cited by the submitters: PubMed 28125078 (cited by Labcorp Genetics (formerly Invitae), Labcorp).